The following is an entry in ClinVar:

NM_032621.4(BEX2):c.194A>G (p.Tyr65Cys)

Gene: BEX2 (brain expressed X-linked 2; minus strand). Cytogenetic location: Xq22.2.
Variant type: single nucleotide variant.
Coding change: c.194A>G on transcript NM_032621.4 (MANE Select); coding-DNA position 194, A replaced by G.
Protein change: p.Tyr65Cys; replaces tyrosine 65 with cysteine.
Molecular consequence: missense variant.
Genome position (GRCh38, 1-based): chrX:103,309,783, T>C on the plus strand (A>G on the coding strand, the complement: BEX2 is on the minus strand). VCF-style: chrX-103309783-T-C. GRCh37 (hg19) VCF-style: chrX-102564711-T-C.
Other names: c.290A>G, p.Tyr97Cys (NM_001168399.2); c.287A>G, p.Tyr96Cys (NM_001168400.2); c.194A>G, p.Tyr65Cys (NM_001168401.2); short protein forms Y65C, Y96C, Y97C.
Identifiers: ClinVar variation 2661093 (VCV002661093.24), dbSNP rs370090246, ClinGen allele CA10477795.
Genomic context (GRCh38, chrX:103,309,783, plus strand): 5'-ATATTCTCCTCTCTCATCCTTGCCTGTGGCTCTCCAAGCCTATGCATTATGTCCCATCTA[T>C]ACTGCAGGATGGGCTGCCTAACGCGGAACCGCCTACGGTTTCCTCTAGGCACACAGTATT-3'
Protein context (NP_116010.1, residues 55-75): RFRVRQPILQ[Tyr65Cys]RWDIMHRLGE

ClinVar aggregate classification (germline): Likely benign (1 of 4 stars; one submission).

Allele frequency attached by ClinVar (database versions not stated): ExAC 0.00015; ESP Exome Variant Server 0.00019; gnomAD exomes 0.00025; gnomAD 0.00027; TOPMed 0.00029.
gnomAD v4.1: 321 of 1,210,363 alleles (0.027%); highest among the groups gnomAD compares: Non-Finnish European, 0.025%; no homozygotes.

Submission:

CeGaT Center for Human Genetics Tuebingen
Classification: Likely benign. Last evaluated: 2023-03-01. Review status: criteria provided, single submitter. Criteria: CeGaT Center For Human Genetics Tuebingen Variant Classification Criteria Version 2. Collection method: clinical testing. Allele origin: germline. Affected: yes. Observed: 2 variant alleles.
Comment: BEX2: BS2